The following is an entry in ClinVar:

NM_001164508.2(NEB):c.10855T>C (p.Tyr3619His)

Gene: NEB (nebulin; minus strand). Cytogenetic location: 2q23.3.
Variant type: single nucleotide variant.
Coding change: c.10855T>C on transcript NM_001164508.2 (MANE Select); coding-DNA position 10855, T replaced by C.
Protein change: p.Tyr3619His; replaces tyrosine 3619 with histidine.
Molecular consequence: missense variant.
Genome position (GRCh38, 1-based): chr2:151,619,468, A>G on the plus strand (T>C on the coding strand, the complement: NEB is on the minus strand). VCF-style: chr2-151619468-A-G. GRCh37 (hg19) VCF-style: chr2-152475982-A-G.
Other names: c.10855T>C, p.Tyr3619His (NM_001271208.2, NM_001164507.2); c.10126T>C, p.Tyr3376His (NM_004543.5); short protein forms Y3376H, Y3619H.
Identifiers: ClinVar variation 2732061 (VCV002732061.3), dbSNP rs1173679231, ClinGen allele CA348787421.
Genomic context (GRCh38, chr2:151,619,468, plus strand): 5'-AGATCCGCTTTTAACATGCAGAGCTAACATCAAGGAAACTTACGTCACTCTGGAGGTCAT[A>G]GGCTTTCCGTGCATGAATGATGTCATTCTGGTCGGGCAGGCAGATCCATTCATGCAGAGG-3'
Protein context (NP_001157980.2, residues 3609-3629): QNDIIHARKA[Tyr3619His]DLQSDNLYKS

ClinVar aggregate classification (germline): Uncertain significance (1 of 4 stars; one submission).

Conditions:
Nemaline myopathy 2 (NEM2). Also called: Nemaline myopathy 2, autosomal recessive. Identifiers: MedGen C1850569, MONDO:0009725, OMIM 256030.

Allele frequency attached by ClinVar (database versions not stated): TOPMed 0.00001.

Submission:

Labcorp Genetics (formerly Invitae), Labcorp
Classification: Uncertain significance for Nemaline myopathy 2. Last evaluated: 2023-09-20. Review status: criteria provided, single submitter. Criteria: Invitae Variant Classification Sherloc (09022015). Collection method: clinical testing. Allele origin: germline.
Comment: This sequence change replaces tyrosine, which is neutral and polar, with histidine, which is basic and polar, at codon 3619 of the NEB protein (p.Tyr3619His). This variant is not present in population databases (gnomAD no frequency). This variant has not been reported in the literature in individuals affected with NEB-related conditions. Experimental studies and prediction algorithms are not available or were not evaluated, and the functional significance of this variant is currently unknown. In summary, the available evidence is currently insufficient to determine the role of this variant in disease. Therefore, it has been classified as a Variant of Uncertain Significance.